The following is an entry in ClinVar:

ClinVar aggregate classification (germline): Uncertain significance (1 of 4 stars; one submission).

Submission:

GeneDx
Classification: Uncertain significance. Last evaluated: 2024-06-25. Review status: criteria provided, single submitter. Criteria: GeneDx Variant Classification Process June 2021. Collection method: clinical testing. Allele origin: germline. Affected: yes.
Comment: Not observed at significant frequency in large population cohorts (gnomAD); In silico analysis supports a deleterious effect on protein structure/function; In-frame deletion of 1 amino acid in a repetitive region with no known function; Has not been previously published as pathogenic or benign to our knowledge

NM_001791.4(CDC42):c.18TGT[2] (p.Val9del)

Gene: CDC42 (cell division cycle 42; plus strand). Cytogenetic location: 1p36.12.
Variant type: Microsatellite.
Coding change: c.18TGT[2] on transcript NM_001791.4 (MANE Select); two copies in a row of the 3-base unit TGT starting at c.18; the reference has three copies in a row; one copy, 3 bases deleted.
Protein change: p.Val9del; deletes valine 9.
Molecular consequence: inframe deletion.
Genome position (GRCh38, 1-based): chr1:22,078,502-22,078,504, TGT deleted; deleting any 3 consecutive bases within chr1:22,078,496-22,078,504 gives the same sequence; the position shown is the placement nearest the transcript's 3' end. VCF-style (leftmost placement, unchanged base first): chr1-22078495-GTGT-G. GRCh37 (hg19) VCF-style: chr1-22404988-GTGT-G.
Other names: c.18TGT[2], p.Val9del (NM_001039802.2, NM_044472.3); short protein forms V9del.
Identifiers: ClinVar variation 3392816 (VCV003392816.1).